The following is an entry in ClinVar:

NM_002692.4(POLE2):c.106A>G (p.Ile36Val)

Gene: POLE2 (DNA polymerase epsilon 2, accessory subunit; minus strand). Cytogenetic location: 14q21.3.
Variant type: single nucleotide variant.
Coding change: c.106A>G on transcript NM_002692.4 (MANE Select); coding-DNA position 106, A replaced by G.
Protein change: p.Ile36Val; replaces isoleucine 36 with valine.
Molecular consequence: missense variant. On other transcripts: 5 prime UTR variant (1).
Genome position (GRCh38, 1-based): chr14:49,683,656, T>C on the plus strand (A>G on the coding strand, the complement: POLE2 is on the minus strand). VCF-style: chr14-49683656-T-C. GRCh37 (hg19) VCF-style: chr14-50150374-T-C.
Other names: c.106A>G, p.Ile36Val (NM_001197330.2, NM_001197331.3, NM_001348384.2); c.-130A>G (NM_001348385.2); short protein forms I36V.
Identifiers: ClinVar variation 2868932 (VCV002868932.3), dbSNP rs371728109, ClinGen allele CA7173742.

ClinVar aggregate classification (germline): Uncertain significance (1 of 4 stars; one submission).

Allele frequency attached by ClinVar (database versions not stated): gnomAD exomes below 0.00001; TOPMed below 0.00001; ExAC 0.00001.
gnomAD v4.1: 2 of 1,592,784 alleles (0.00013%); highest among the groups gnomAD compares: South Asian, 0.0011%; no homozygotes.

Submission:

Labcorp Genetics (formerly Invitae), Labcorp
Classification: Uncertain significance. Last evaluated: 2023-09-10. Review status: criteria provided, single submitter. Criteria: Invitae Variant Classification Sherloc (09022015). Collection method: clinical testing. Allele origin: germline.
Comment: This sequence change replaces isoleucine, which is neutral and non-polar, with valine, which is neutral and non-polar, at codon 36 of the POLE2 protein (p.Ile36Val). This variant is not present in population databases (gnomAD no frequency). This variant has not been reported in the literature in individuals affected with POLE2-related conditions. Algorithms developed to predict the effect of missense changes on protein structure and function output the following: SIFT: "Not Available"; PolyPhen-2: "Benign"; Align-GVGD: "Not Available". The valine amino acid residue is found in multiple mammalian species, which suggests that this missense change does not adversely affect protein function. In summary, the available evidence is currently insufficient to determine the role of this variant in disease. Therefore, it has been classified as a Variant of Uncertain Significance.